The following is an entry in ClinVar:

NM_152730.6(TBC1D32):c.1538A>T (p.Glu513Val)

Gene: TBC1D32 (TBC1 domain family member 32; minus strand). Cytogenetic location: 6q22.31.
Variant type: single nucleotide variant.
Coding change: c.1538A>T on transcript NM_152730.6 (MANE Select); coding-DNA position 1538, A replaced by T.
Protein change: p.Glu513Val; replaces glutamic acid 513 with valine.
Molecular consequence: missense variant. On other transcripts: non-coding transcript variant (1).
Genome position (GRCh38, 1-based): chr6:121,281,614, T>A on the plus strand (A>T on the coding strand, the complement: TBC1D32 is on the minus strand). VCF-style: chr6-121281614-T-A. GRCh37 (hg19) VCF-style: chr6-121602760-T-A.
Other names: c.1538A>T (NM_152730.4); c.1538A>T, p.Glu513Val (NM_001367759.1, NM_001367760.1); short protein forms E513V.
Identifiers: ClinVar variation 1966483 (VCV001966483.6), dbSNP rs758059813, ClinGen allele CA3981119.

ClinVar aggregate classification (germline): Uncertain significance. Review status: criteria provided, multiple submitters, no conflicts (2 of 4 stars). 2 submissions from 2 submitters: Uncertain significance (2). Last evaluated 2025-10-15.

Conditions:
Inborn genetic diseases. Identifiers: MedGen C0950123, MeSH D030342.

Allele frequency attached by ClinVar (database versions not stated): gnomAD exomes below 0.00001; ExAC 0.00001.
gnomAD v4.1: 3 of 1,607,974 alleles (0.00019%); highest among the groups gnomAD compares: Non-Finnish European, 0.00026%; no homozygotes.

Submissions (2):

Ambry Genetics
Classification: Uncertain significance for Inborn genetic diseases. Last evaluated: 2025-10-15. Review status: criteria provided, single submitter. Criteria: Ambry Variant Classification Scheme 2023. Collection method: clinical testing. Allele origin: germline.

Labcorp Genetics (formerly Invitae), Labcorp
Classification: Uncertain significance. Last evaluated: 2022-01-02. Review status: criteria provided, single submitter. Criteria: Invitae Variant Classification Sherloc (09022015). Collection method: clinical testing. Allele origin: germline.
Comment: In summary, the available evidence is currently insufficient to determine the role of this variant in disease. Therefore, it has been classified as a Variant of Uncertain Significance. Algorithms developed to predict the effect of sequence changes on RNA splicing suggest that this variant may create or strengthen a splice site. Algorithms developed to predict the effect of missense changes on protein structure and function are either unavailable or do not agree on the potential impact of this missense change (SIFT: "Deleterious"; PolyPhen-2: "Possibly Damaging"; Align-GVGD: "Class C0"). This variant has not been reported in the literature in individuals affected with TBC1D32-related conditions. This variant is present in population databases (rs758059813, gnomAD 0.0009%). This sequence change replaces glutamic acid, which is acidic and polar, with valine, which is neutral and non-polar, at codon 513 of the TBC1D32 protein (p.Glu513Val).